The following is an entry in ClinVar:

NM_002335.4(LRP5):c.3428-13G>A

Gene: LRP5 (LDL receptor related protein 5; plus strand). Cytogenetic location: 11q13.2.
Variant type: single nucleotide variant.
Coding change: c.3428-13G>A on transcript NM_002335.4 (MANE Select); 13 bases into the intron before coding-DNA position 3428, G replaced by A.
Molecular consequence: intron variant.
Genome position (GRCh38, 1-based): chr11:68,425,965, G>A. VCF-style: chr11-68425965-G-A. GRCh37 (hg19) VCF-style: chr11-68193433-G-A.
Other names: c.1685-13G>A (NM_001291902.2).
Identifiers: ClinVar variation 4694279 (VCV004694279.2).
Genomic context (GRCh38, chr11:68,425,965, plus strand): 5'-GTCCTCCCAAGCTGAGTGTGGGGCAAGTTCTGGAGGTCAGCACTGCTCAGGGGGGCCCAC[G>A]GGCTGCTTGCAGGGGCCAACCGCCTGACCCTGGAGGACGCCAACATCGTGCAGCCTCTGG-3'

ClinVar aggregate classification (germline): Uncertain significance. Review status: criteria provided, multiple submitters, no conflicts (2 of 4 stars). 2 submissions from 2 submitters: Uncertain significance (2). Last evaluated 2026-03-24.

Submissions (2):

Women's Health and Genetics/Laboratory Corporation of America, LabCorp
Classification: Uncertain significance. Last evaluated: 2026-03-24. Review status: criteria provided, single submitter. Criteria: LabCorp Variant Classification Summary - May 2015. Collection method: clinical testing. Allele origin: germline.
Comment: Variant summary: LRP5 c.3428-13G>A alters a nucleotide located at a position not widely known to affect splicing. Several computational tools predict a significant impact on normal splicing: One predicts the variant weakens a canonical 3' acceptor site and one predicts the variant abolishes this site. However, these predictions have yet to be confirmed by functional studies. The variant was absent in 245208 control chromosomes (gnomAD). The available data on variant occurrences in the general population are insufficient to allow any conclusion about variant significance. To our knowledge, no occurrence of c.3428-13G>A in individuals affected with LRP5-related conditions and no experimental evidence demonstrating its impact on protein function have been reported. ClinVar contains an entry for this variant (Variation ID: 4694279). Based on the evidence outlined above, the variant was classified as uncertain significance.

Labcorp Genetics (formerly Invitae), Labcorp
Classification: Uncertain significance. Last evaluated: 2026-02-02. Review status: criteria provided, single submitter. Criteria: Invitae Variant Classification Sherloc (09022015). Collection method: clinical testing. Allele origin: germline.
Comment: This sequence change falls in intron 15 of the LRP5 gene. It does not directly change the encoded amino acid sequence of the LRP5 protein. This variant is not present in population databases (gnomAD no frequency). This variant has not been reported in the literature in individuals affected with LRP5-related conditions. Algorithms developed to predict the effect of sequence changes on RNA splicing suggest that this variant may disrupt the consensus splice site. In summary, the available evidence is currently insufficient to determine the role of this variant in disease. Therefore, it has been classified as a Variant of Uncertain Significance.